The following continues an entry in ClinVar:

NM_000297.4(PKD2):c.973C>T (p.Arg325Ter)

Gene: PKD2. ClinVar aggregate classification (germline): Pathogenic. Pathogenic (18).

Submissions 16 to 18 of 18:

Molecular Genetics of Inherited Kidney Disorders Laboratory, Garvan Institute of Medical Research
Classification: Pathogenic for Autosomal dominant polycystic kidney disease. Last evaluated: 2019-01-01. Review status: criteria provided, single submitter. Criteria: ACMG Guidelines, 2015. Collection method: research. Allele origin: germline. Affected: yes.

ARUP Laboratories, Molecular Genetics and Genomics, ARUP Laboratories
Classification: Pathogenic for Polycystic kidney disease 2. Last evaluated: 2018-09-04. Review status: criteria provided, single submitter. Criteria: ARUP Molecular Germline Variant Investigation Process. Collection method: clinical testing. Allele origin: germline.
Comment: The PKD2 c.973C>T; p.Arg325Ter variant is reported in the literature in multiple individuals affected with polycystic kidney disease (Oka 2014, Raj 2017, Rossetti 2007, Yu 2011). This variant is reported as pathogenic by multiple laboratories in ClinVar (Variation ID: 411870), and is found in the general population with an overall allele frequency of 0.001% (3/245,840 alleles) in the Genome Aggregation Database. This variant induces an early termination codon and is predicted to result in a truncated protein or mRNA subject to nonsense-mediated decay. Based on available information, the p.Arg325Ter variant is considered to be pathogenic. References: Oka M et al. A novel mutation of the PKD2 gene in a Japanese patient with autosomal dominant polycystic kidney disease and complete situs inversus. Am J Kidney Dis. 2014 64(4):660. Raj S et al. Mutational screening of PKD2 gene in the north Indian polycystic kidney disease patients revealed 28 genetic variations. J Genet. 2017 Dec;96(6):885-893. Rossetti S et al. Comprehensive molecular diagnostics in autosomal dominant polycystic kidney disease. J Am Soc Nephrol. 2007 18(7):2143-60. Yu C et al. Identification of novel mutations in Chinese Hans with autosomal dominant polycystic kidney disease. BMC Med Genet. 2011 12:164.

Clinical Genetics Service, Universitary Hospital 12 de Octubre
Classification: Pathogenic for Polycystic kidney disease 2. Review status: criteria provided, single submitter. Criteria: ACMG Guidelines, 2015. Collection method: clinical testing. Allele origin: germline. Affected: yes.

Literature cited by the submitters: PubMed 28356211 (cited by 3 submitters); PubMed 34101167 (cited by 3 submitters); PubMed 17582161 (cited by 5 submitters); PubMed 22863349 (cited by Labcorp Genetics (formerly Invitae), Labcorp); PubMed 22185115 (cited by 4 submitters); PubMed 25149526 (cited by Labcorp Genetics (formerly Invitae), Labcorp and Mayo Clinic Laboratories, Mayo Clinic); PubMed 22508176 (cited by Mayo Clinic Laboratories, Mayo Clinic and Department of Pathology and Laboratory Medicine, Sinai Health System); PubMed 28522688 (cited by Mayo Clinic Laboratories, Mayo Clinic and Athena Diagnostics); PubMed 29321346 (cited by 3 submitters); PubMed 30333007 (cited by 3 submitters); PubMed 31948117 (cited by Mayo Clinic Laboratories, Mayo Clinic and Athena Diagnostics); PubMed 33315352 (cited by Mayo Clinic Laboratories, Mayo Clinic); PubMed 33437033 (cited by Mayo Clinic Laboratories, Mayo Clinic and Ambry Genetics); PubMed 33569422 (cited by Mayo Clinic Laboratories, Mayo Clinic); PubMed 34379075 (cited by Mayo Clinic Laboratories, Mayo Clinic); PubMed 34733539 (cited by Mayo Clinic Laboratories, Mayo Clinic); PubMed 36938073 (cited by Mayo Clinic Laboratories, Mayo Clinic); PubMed 36938085 (cited by Mayo Clinic Laboratories, Mayo Clinic); PubMed 38527221 (cited by Mayo Clinic Laboratories, Mayo Clinic).